The following is an entry in ClinVar:

ClinVar aggregate classification (germline): Uncertain significance. Review status: criteria provided, multiple submitters, no conflicts (2 of 4 stars). 2 submissions from 2 submitters: Uncertain significance (2). Last evaluated 2022-02-04.

Conditions:
Pyruvate carboxylase deficiency. Also called: LEIGH NECROTIZING ENCEPHALOPATHY DUE TO PYRUVATE CARBOXYLASE DEFICIENCY; LEIGH SYNDROME DUE TO PYRUVATE CARBOXYLASE DEFICIENCY; PC DEFICIENCY; Pyruvate Carboxylase Deficiency Disease; ATAXIA WITH LACTIC ACIDOSIS II. Identifiers: Orphanet 3008, MedGen C0034341, MONDO:0009949, OMIM 266150.

Allele frequency attached by ClinVar (database versions not stated): gnomAD 0.00002; gnomAD exomes 0.00002 and 0.00003; TOPMed 0.00002; ExAC 0.00004; ESP Exome Variant Server 0.00008.
gnomAD v4.1: 40 of 1,614,060 alleles (0.0025%); highest among the groups gnomAD compares: Middle Eastern, 0.016%; no homozygotes.

Submissions (2):

Revvity Omics, Revvity
Classification: Uncertain significance for Pyruvate carboxylase deficiency. Last evaluated: 2022-02-04. Review status: criteria provided, single submitter. Criteria: ACMG Guidelines, 2015. Collection method: clinical testing. Allele origin: germline.

GeneDx
Classification: Uncertain significance. Last evaluated: 2017-08-22. Review status: criteria provided, single submitter. Criteria: GeneDx Variant Classification (06012015). Collection method: clinical testing. Allele origin: germline. Affected: yes.
Comment: The T1003M variant in the PC gene has not been reported previously as a pathogenic variant, nor as a benign variant, to our knowledge. This variant is observed in 1/10,392 alleles (0.0096%) from individuals of African background and 3/66,596 alleles (0.0061%) from non-Finnish European individuals in the ExAC dataset, with no homozygous control individuals reported (Lek et al., 2016). The T1003M variant is a non-conservative amino acid substitution, which is likely to impact secondary protein structure as these residues differ in polarity, charge, size and/or other properties. In addition, this substitution occurs at a position that is conserved across species, and in silico analysis predicts this variant is probably damaging to the protein structure/function. We interpret T1003M as a variant of uncertain significance.

NM_001040716.2(PC):c.3008C>T (p.Thr1003Met)

Gene: PC (pyruvate carboxylase; minus strand). Cytogenetic location: 11q13.2.
Variant type: single nucleotide variant.
Coding change: c.3008C>T on transcript NM_001040716.2 (MANE Select); coding-DNA position 3008, C replaced by T.
Protein change: p.Thr1003Met; replaces threonine 1003 with methionine.
Molecular consequence: missense variant.
Genome position (GRCh38, 1-based): chr11:66,849,750, G>A on the plus strand (C>T on the coding strand, the complement: PC is on the minus strand). VCF-style: chr11-66849750-G-A. GRCh37 (hg19) VCF-style: chr11-66617221-G-A.
Other names: c.3008C>T, p.Thr1003Met (NM_000920.4, NM_022172.3); short protein forms T1003M.
Identifiers: ClinVar variation 451495 (VCV000451495.5), dbSNP rs145046106, ClinGen allele CA6130922.